The following is an entry in ClinVar:

ClinVar aggregate classification (germline): Uncertain significance (1 of 4 stars; one submission).

gnomAD v4.1: 4 of 1,524,764 alleles (0.00026%); highest among the groups gnomAD compares: Non-Finnish European, 0.00035%; no homozygotes.

Submission:

GeneDx
Classification: Uncertain significance. Last evaluated: 2023-03-24. Review status: criteria provided, single submitter. Criteria: GeneDx Variant Classification Process June 2021. Collection method: clinical testing. Allele origin: germline. Affected: yes.
Comment: Previously reported in two individuals from the UK biobank undergoing whole exome sequencing; however clinical information and segregation were not provided (Van Hout et al., 2020); Not observed at significant frequency in large population cohorts (gnomAD); Canonical splice site variant in a region of a gene for which loss of function is not a well-established mechanism of disease; Reported using an alternate transcript of the gene and is not present in the coding portion of the primary transcript; This variant is associated with the following publications: (PMID: 33087929)

NM_170707.4(LMNA):c.*663G>C

Gene: LMNA (lamin A/C; plus strand). Cytogenetic location: 1q22.
Variant type: single nucleotide variant.
Coding change: c.*663G>C on transcript NM_170707.4 (MANE Select); 663 bases downstream of the stop codon, G replaced by C.
Molecular consequence: 3 prime UTR variant. On other transcripts: splice acceptor variant (4).
Genome position (GRCh38, 1-based): chr1:156,139,769, G>C. VCF-style: chr1-156139769-G-C. GRCh37 (hg19) VCF-style: chr1-156109560-G-C.
Other names: c.*663G>C (NM_001282626.2, NM_001406983.1, NM_001406986.1 and 12 more transcripts); c.1368-1G>C (NM_001406994.1); c.1992-1G>C (NM_001406985.1); c.1434-1G>C (NM_001406990.1); c.1656-1G>C (NM_001257374.3).
Identifiers: ClinVar variation 2446557 (VCV002446557.1), dbSNP rs1355256454, ClinGen allele CA342829808.